The following is an entry in ClinVar:

ClinVar aggregate classification (germline): Pathogenic/Likely pathogenic. Review status: criteria provided, multiple submitters, no conflicts (2 of 4 stars). 3 submissions from 3 submitters: Pathogenic (2); Likely pathogenic (1). Last evaluated 2024-11-15.

Conditions:
Breast-ovarian cancer, familial, susceptibility to, 4. Identifiers: Orphanet 145, MedGen C3280345, MONDO:0013669, OMIM 614291.
RAD51D-related disorder. Also called: RAD51D-related condition.

gnomAD v4.1: 2 of 1,612,382 alleles (0.00012%); highest among the groups gnomAD compares: South Asian, 0.0022%; no homozygotes.

Submissions (3):

Labcorp Genetics (formerly Invitae), Labcorp
Classification: Pathogenic for Breast-ovarian cancer, familial, susceptibility to, 4. Last evaluated: 2024-11-15. Review status: criteria provided, single submitter. Criteria: Invitae Variant Classification Sherloc (09022015). Collection method: clinical testing. Allele origin: germline.
Comment: This sequence change creates a premature translational stop signal (p.Cys9*) in the RAD51D gene. It is expected to result in an absent or disrupted protein product. Loss-of-function variants in RAD51D are known to be pathogenic (PMID: 21822267). This variant is not present in population databases (gnomAD no frequency). This variant has not been reported in the literature in individuals affected with RAD51D-related conditions. ClinVar contains an entry for this variant (Variation ID: 836489). For these reasons, this variant has been classified as Pathogenic.

Myriad Genetics, Inc.
Classification: Pathogenic for Breast-ovarian cancer, familial, susceptibility to, 4. Last evaluated: 2024-01-03. Review status: criteria provided, single submitter. Criteria: Myriad Autosomal Dominant, Autosomal Recessive and X-Linked Classification Criteria (2023). Collection method: clinical testing. Allele origin: unknown.
Comment: This variant is considered pathogenic. This variant creates a termination codon and is predicted to result in premature protein truncation.

Blueprint Genetics
Classification: Likely pathogenic for RAD51D-related disorders. Last evaluated: 2023-03-24. Review status: criteria provided, single submitter. Criteria: ACMG Guidelines, 2015. Collection method: clinical testing. Allele origin: germline. Affected: yes. Observed: 1 variant allele.

Literature cited by the submitters: PubMed 21822267 (cited by Labcorp Genetics (formerly Invitae), Labcorp).

NM_002878.4(RAD51D):c.27C>A (p.Cys9Ter)

Genes: RAD51D (RAD51 paralog D; minus strand), RAD51L3-RFFL (RAD51L3-RFFL readthrough; minus strand). Cytogenetic location: 17q12.
Variant type: single nucleotide variant.
Coding change: c.27C>A on transcript NM_002878.4 (MANE Select); coding-DNA position 27, C replaced by A.
Protein change: p.Cys9Ter; replaces cysteine 9 with a stop codon.
Molecular consequence: nonsense. On other transcripts: non-coding transcript variant (2).
Genome position (GRCh38, 1-based): chr17:35,119,587, G>T on the plus strand (C>A on the coding strand, the complement: RAD51D is on the minus strand). VCF-style: chr17-35119587-G-T. GRCh37 (hg19) VCF-style: chr17-33446606-G-T.
Other names: c.27C>A, p.Cys9Ter (NM_001142571.2, NM_133629.3); short protein forms C9*.
Identifiers: ClinVar variation 836489 (VCV000836489.9), dbSNP rs200487648, ClinGen allele CA399092516.